The following is an entry in ClinVar:

ClinVar aggregate classification (germline): Uncertain significance. Review status: criteria provided, multiple submitters, no conflicts (2 of 4 stars). 2 submissions from 2 submitters: Uncertain significance (2). Last evaluated 2025-06-02.

Conditions:
Arrhythmogenic cardiomyopathy with wooly hair and keratoderma. Also called: PALMOPLANTAR KERATODERMA WITH LEFT VENTRICULAR CARDIOMYOPATHY AND WOOLLY HAIR; Carvajal syndrome; Dilated cardiomyopathy with woolly hair and keratoderma; Arrhythmogenic cardiomyopathy with woolly hair and keratoderma. Identifiers: Orphanet 65282, MedGen C1854063, MONDO:0011581, OMIM 605676.

Allele frequency attached by ClinVar (database versions not stated): gnomAD exomes 0.00001; ExAC 0.00004.

Submissions (2):

GeneDx
Classification: Uncertain significance. Last evaluated: 2025-06-02. Review status: criteria provided, single submitter. Criteria: GeneDx Variant Classification Process June 2021. Collection method: clinical testing. Allele origin: germline. Affected: yes.
Comment: In silico analysis supports that this missense variant has a deleterious effect on protein structure/function; Has not been previously published as pathogenic or benign to our knowledge

All of Us Research Program, National Institutes of Health
Classification: Uncertain significance for Arrhythmogenic cardiomyopathy with wooly hair and keratoderma. Last evaluated: 2024-05-17. Review status: criteria provided, single submitter. Criteria: ACMG Guidelines, 2015. Collection method: clinical testing. Allele origin: germline. Inheritance: Autosomal dominant inheritance. Observed: 2 variant alleles, 2 heterozygotes.
Comment: This study involves interpretation of variants in research participants for the purpose of population health screening. Participant phenotype was not available at the time of variant classification. Additional details can be found in publication PMID: 35346344, PMCID: PMC8962531

NM_004415.4(DSP):c.7364C>T (p.Thr2455Ile)

Gene: DSP (desmoplakin; plus strand). Cytogenetic location: 6p24.3.
Variant type: single nucleotide variant.
Coding change: c.7364C>T on transcript NM_004415.4 (MANE Select); coding-DNA position 7364, C replaced by T.
Protein change: p.Thr2455Ile; replaces threonine 2455 with isoleucine.
Molecular consequence: missense variant.
Genome position (GRCh38, 1-based): chr6:7,584,626, C>T. VCF-style: chr6-7584626-C-T. GRCh37 (hg19) VCF-style: chr6-7584859-C-T.
Other names: c.5567C>T, p.Thr1856Ile (NM_001008844.3); c.6035C>T, p.Thr2012Ile (NM_001319034.2); short protein forms T1856I, T2012I, T2455I.
Identifiers: ClinVar variation 3074718 (VCV003074718.3), dbSNP rs753091399, ClinGen allele CA049738.